The following is an entry in ClinVar:

NM_007294.4(BRCA1):c.2045A>G (p.Asn682Ser)

Gene: BRCA1 (BRCA1 DNA repair associated; minus strand). Cytogenetic location: 17q21.31.
Variant type: single nucleotide variant.
Coding change: c.2045A>G on transcript NM_007294.4 (MANE Select); coding-DNA position 2045, A replaced by G.
Protein change: p.Asn682Ser; replaces asparagine 682 with serine.
Molecular consequence: missense variant. On other transcripts: intron variant (137).
Genome position (GRCh38, 1-based): chr17:43,093,486, T>C on the plus strand (A>G on the coding strand, the complement: BRCA1 is on the minus strand). VCF-style: chr17-43093486-T-C. GRCh37 (hg19) VCF-style: chr17-41245503-T-C.
Other names: c.1922A>G, p.Asn641Ser (NM_001407937.1, NM_001407938.1, NM_001407939.1 and 19 more transcripts); c.1919A>G, p.Asn640Ser (NM_001407940.1, NM_001407941.1, NM_001407673.1 and 11 more transcripts); c.1904A>G, p.Asn635Ser (NM_001407942.1, NM_001407944.1, NM_001407945.1 and 29 more transcripts); c.1901A>G, p.Asn634Ser (NM_001407943.1, NM_001407964.1, NM_001407842.1 and 20 more transcripts); c.1835A>G, p.Asn612Ser (NM_001407887.1, NM_001407889.1, NM_001407900.1 and 13 more transcripts); c.1832A>G, p.Asn611Ser (NM_001407894.1, NM_001407895.1, NM_001407896.1 and 9 more transcripts); c.1781A>G, p.Asn594Ser (NM_001407920.1, NM_001407921.1, NM_001407922.1 and 9 more transcripts); c.1709A>G, p.Asn570Ser (NM_001407956.1, NM_001407958.1, NM_001407954.1 and 1 more transcripts); and 40 more; short protein forms N386S, N514S, N554S, N555S, N570S, N571S, N593S, N594S.
Identifiers: ClinVar variation 2570989 (VCV002570989.30), dbSNP rs2154402251, ClinGen allele CA10597916.
Genomic context (GRCh38, chr17:43,093,486, plus strand): 5'-AACTTCAGCTCTGGGAAAGTATCGCTGTCATGTCTTTTACTTGTCTGTTCATTTGGCTTG[T>C]TACTCTTCTTGGCTCCAGTTGCAGGTTCTTTACCTTCCATGAGTTGTAGGTTTCTGCTGT-3'
Protein context (NP_009225.1, residues 672-692): KEPATGAKKS[Asn682Ser]KPNEQTSKRH

ClinVar aggregate classification (germline): Uncertain significance. Review status: criteria provided, multiple submitters, no conflicts (2 of 4 stars). 2 submissions from 2 submitters: Uncertain significance (2). Last evaluated 2023-05-01.

Conditions:
Hereditary breast ovarian cancer syndrome. Also called: Hereditary breast and ovarian cancer; Hereditary breast and ovarian cancer syndrome; BRCA1- and BRCA2-Associated Hereditary Breast and Ovarian Cancer; Hereditary breast and ovarian cancer syndrome (HBOC); Breast and ovarian cancer; Hereditary breast and/or ovarian cancer syndrome. Identifiers: Orphanet 145, MedGen C0677776, MeSH D061325, MONDO:0003582. Disease mechanism: loss of function.

Submissions (2):

CeGaT Center for Human Genetics Tuebingen
Classification: Uncertain significance. Last evaluated: 2023-05-01. Review status: criteria provided, single submitter. Criteria: CeGaT Center For Human Genetics Tuebingen Variant Classification Criteria Version 2. Collection method: clinical testing. Allele origin: germline. Affected: yes. Observed: 1 variant allele.

Labcorp Genetics (formerly Invitae), Labcorp
Classification: Uncertain significance for Hereditary breast ovarian cancer syndrome. Last evaluated: 2023-03-09. Review status: criteria provided, single submitter. Criteria: Invitae Variant Classification Sherloc (09022015). Collection method: clinical testing. Allele origin: germline.
Comment: This variant is not present in population databases (gnomAD no frequency). This variant has not been reported in the literature in individuals affected with BRCA1-related conditions. Advanced modeling of protein sequence and biophysical properties (such as structural, functional, and spatial information, amino acid conservation, physicochemical variation, residue mobility, and thermodynamic stability) performed at Invitae indicates that this missense variant is not expected to disrupt BRCA1 protein function. In summary, the available evidence is currently insufficient to determine the role of this variant in disease. Therefore, it has been classified as a Variant of Uncertain Significance. This sequence change replaces asparagine, which is neutral and polar, with serine, which is neutral and polar, at codon 682 of the BRCA1 protein (p.Asn682Ser).